The following is an entry in ClinVar:

NM_002528.7(NTHL1):c.136C>A (p.Pro46Thr)

Gene: NTHL1 (nth like DNA glycosylase 1; minus strand). Cytogenetic location: 16p13.3.
Variant type: single nucleotide variant.
Coding change: c.136C>A on transcript NM_002528.7 (MANE Select); coding-DNA position 136, C replaced by A.
Protein change: p.Pro46Thr; replaces proline 46 with threonine.
Molecular consequence: missense variant. On other transcripts: 5 prime UTR variant (1).
Genome position (GRCh38, 1-based): chr16:2,046,346, G>T on the plus strand (C>A on the coding strand, the complement: NTHL1 is on the minus strand). VCF-style: chr16-2046346-G-T. GRCh37 (hg19) VCF-style: chr16-2096347-G-T.
Other names: c.136C>A, p.Pro46Thr (NM_001318193.2); c.-43C>A (NM_001318194.2); short protein forms P46T.
Identifiers: ClinVar variation 1776358 (VCV001776358.2), dbSNP rs2150947586, ClinGen allele CA394298022.
Genomic context (GRCh38, chr16:2,046,346, plus strand): 5'-CACTGTCCGAGCCCTCATAGGCCACACGCAGTCTCTGTGCTTTCCGCGGACGCTTCACGG[G>T]GCTGTGGCTTTTCCTCGCTTCTGCAAAAAGCACCACGCAGTCCCTCTGGTGGGGCCACAG-3'
Protein context (NP_002519.2, residues 36-56): AAAEARKSHS[Pro46Thr]VKRPRKAQRL

ClinVar aggregate classification (germline): Uncertain significance (1 of 4 stars; one submission).

Conditions:
Hereditary cancer-predisposing syndrome. Also called: Neoplastic Syndromes, Hereditary; Tumor predisposition; Hereditary Cancer Syndrome; Hereditary neoplastic syndrome. Identifiers: Orphanet 140162, MedGen C0027672, MeSH D009386, MONDO:0015356.

Submission:

Ambry Genetics
Classification: Uncertain significance for Hereditary cancer-predisposing syndrome. Last evaluated: 2023-10-06. Review status: criteria provided, single submitter. Criteria: Ambry Variant Classification Scheme 2023. Collection method: clinical testing. Allele origin: germline.
Comment: The p.P54T variant (also known as c.160C>A), located in coding exon 2 of the NTHL1 gene, results from a C to A substitution at nucleotide position 160. The proline at codon 54 is replaced by threonine, an amino acid with highly similar properties. This amino acid position is conserved. In addition, this alteration is predicted to be tolerated by in silico analysis. Since supporting evidence is limited at this time, the clinical significance of this alteration remains unclear.